The following is an entry in ClinVar:

NM_000821.7(GGCX):c.599A>T (p.Tyr200Phe)

Gene: GGCX (gamma-glutamyl carboxylase; minus strand). Cytogenetic location: 2p11.2.
Variant type: single nucleotide variant.
Coding change: c.599A>T on transcript NM_000821.7 (MANE Select); coding-DNA position 599, A replaced by T.
Protein change: p.Tyr200Phe; replaces tyrosine 200 with phenylalanine.
Molecular consequence: missense variant.
Genome position (GRCh38, 1-based): chr2:85,556,201, T>A on the plus strand (A>T on the coding strand, the complement: GGCX is on the minus strand). VCF-style: chr2-85556201-T-A. GRCh37 (hg19) VCF-style: chr2-85783324-T-A.
Other names: c.428A>T, p.Tyr143Phe (NM_001142269.4); short protein forms Y200F, Y143F.
Identifiers: ClinVar variation 1951584 (VCV001951584.5), dbSNP rs1326437133, ClinGen allele CA347490724.
Genomic context (GRCh38, chr2:85,556,201, plus strand): 5'-GGCTGTCAAGGAGCTCCTCCCTCTGTCCTAAAATGCTGTACCTGGCCACGGAGCACTGCA[T>A]AGTTCCAAAGGGGCACGTGGGCATTCCTCCTATGGGCATTCAGCAGACCGTCCACAGACC-3'
Protein context (NP_000812.2, residues 190-210): RRNAHVPLWN[Tyr200Phe]AVLRGQIFIV

ClinVar aggregate classification (germline): Uncertain significance (1 of 4 stars; one submission).

Allele frequency attached by ClinVar (database versions not stated): gnomAD 0.00001; gnomAD exomes 0.00001.

Submission:

Labcorp Genetics (formerly Invitae), Labcorp
Classification: Uncertain significance. Last evaluated: 2022-09-01. Review status: criteria provided, single submitter. Criteria: Invitae Variant Classification Sherloc (09022015). Collection method: clinical testing. Allele origin: germline.
Comment: In summary, the available evidence is currently insufficient to determine the role of this variant in disease. Therefore, it has been classified as a Variant of Uncertain Significance. Algorithms developed to predict the effect of missense changes on protein structure and function are either unavailable or do not agree on the potential impact of this missense change (SIFT: "Deleterious"; PolyPhen-2: "Probably Damaging"; Align-GVGD: "Class C0"). This variant has not been reported in the literature in individuals affected with GGCX-related conditions. This variant is not present in population databases (gnomAD no frequency). This sequence change replaces tyrosine, which is neutral and polar, with phenylalanine, which is neutral and non-polar, at codon 200 of the GGCX protein (p.Tyr200Phe).